The following is an entry in ClinVar:

NM_000089.4(COL1A2):c.1892G>T (p.Gly631Val)

Gene: COL1A2 (collagen type I alpha 2 chain; plus strand). Cytogenetic location: 7q21.3.
Variant type: single nucleotide variant.
Coding change: c.1892G>T on transcript NM_000089.4 (MANE Select); coding-DNA position 1892, G replaced by T.
Protein change: p.Gly631Val; replaces glycine 631 with valine.
Molecular consequence: missense variant.
Genome position (GRCh38, 1-based): chr7:94,417,752, G>T. VCF-style: chr7-94417752-G-T. GRCh37 (hg19) VCF-style: chr7-94047064-G-T.
Other names: short protein forms G631V.
Identifiers: ClinVar variation 663292 (VCV000663292.14), dbSNP rs1584324507, ClinGen allele CA368222817.
Genomic context (GRCh38, chr7:94,417,752, plus strand): 5'-CTAAAATTGATTTCACATGTGTTTGACTCAAGGGTGAACCTGGTGTGGTTGGTGCTGTGG[G>T]CACTGCTGGTCCATCTGGTCCTAGTGGACTCCCAGGAGAGAGGGGTGCTGCTGGCATACC-3'
Protein context (NP_000080.2, residues 621-641): KGEPGVVGAV[Gly631Val]TAGPSGPSGL

ClinVar aggregate classification (germline): Pathogenic. Review status: criteria provided, multiple submitters, no conflicts (2 of 4 stars). 3 submissions from 3 submitters: Pathogenic (3). Last evaluated 2025-12-09.

Conditions:
Osteogenesis imperfecta type I (OI1). Also called: OI, TYPE I; OSTEOGENESIS IMPERFECTA TARDA; OSTEOGENESIS IMPERFECTA WITH BLUE SCLERAE; Osteogenesis imperfecta type 1; Classic Non-deforming Osteogenesis Imperfecta with Blue Sclerae; Lobstein's Disease. Identifiers: Orphanet 216796, Orphanet 666, MedGen C0023931, MONDO:0008146, OMIM 166200. Disease mechanism: loss of function.
Ehlers-Danlos syndrome, classic type, 1 (EDSCL1). Also called: EDS I; EHLERS-DANLOS SYNDROME, GRAVIS TYPE; EHLERS-DANLOS SYNDROME, SEVERE CLASSIC TYPE; Ehlers-Danlos Syndrome, Classic Type, COL5A1-Related; Ehlers-Danlos syndrome, type 1. Identifiers: MedGen C0268335, MONDO:0019567, OMIM 130000.
Osteogenesis imperfecta type III (OI3). Also called: Progressively Deforming Osteogenesis Imperfecta; Osteogenesis imperfecta type 3; OI type 3; Osteogenesis imperfecta, progressively deforming with normal sclerae; OI type III. Identifiers: Orphanet 216812, Orphanet 666, MedGen C0268362, MONDO:0009804, OMIM 259420.
Osteogenesis imperfecta with normal sclerae, dominant form (OI4). Also called: OSTEOGENESIS IMPERFECTA, TYPE IV, WITH DENTINOGENESIS IMPERFECTA; OSTEOGENESIS IMPERFECTA WITH NORMAL SCLERAE; Osteogenesis imperfecta type 4; Common Variable Osteogenesis Imperfecta with Normal Sclerae; Osteogenesis Imperfecta Type IV. Identifiers: Orphanet 216820, Orphanet 666, MedGen C0268363, MONDO:0008148, OMIM 166220.

Submissions (3):

Labcorp Genetics (formerly Invitae), Labcorp
Classification: Pathogenic for Osteogenesis imperfecta type I; Ehlers-Danlos syndrome, classic type, 1. Last evaluated: 2025-12-09. Review status: criteria provided, single submitter. Criteria: Invitae Variant Classification Sherloc (09022015). Collection method: clinical testing. Allele origin: germline.
Comment: This sequence change replaces glycine, which is neutral and non-polar, with valine, which is neutral and non-polar, at codon 631 of the COL1A2 protein (p.Gly631Val). This variant is not present in population databases (gnomAD no frequency). This missense change has been observed in individuals with osteogenesis imperfecta (PMID: 27509835). ClinVar contains an entry for this variant (Variation ID: 663292). Invitae Evidence Modeling of protein sequence and biophysical properties (such as structural, functional, and spatial information, amino acid conservation, physicochemical variation, residue mobility, and thermodynamic stability) indicates that this missense variant is expected to disrupt COL1A2 protein function with a positive predictive value of 95%. This variant disrupts the triple helix domain of COL1A2. Glycine residues within the Gly-Xaa-Yaa repeats of the triple helix domain are required for the structure and stability of fibrillar collagens (PMID: 7695699, 8218237, 19344236). In COL1A2, variants affecting these glycine residues are significantly enriched in individuals with disease (PMID: 9016532, 17078022) compared to the general population (ExAC). For these reasons, this variant has been classified as Pathogenic.

Laboratory of Medical Genetics, National & Kapodistrian University of Athens
Classification: Pathogenic for Osteogenesis imperfecta type III. Last evaluated: 2024-05-20. Review status: criteria provided, single submitter. Criteria: ACMG Guidelines, 2015. Collection method: clinical testing. Allele origin: germline. Affected: yes.
Comment: PS4, PM1, PM5, PM2, PP3, PP5- This variant has been reported in ClinVar as Pathogenic by other laboratories (Variation ID: 663292). Low frequency in gnomAD population databases. It is reported previously as causative (PMID: 27509835).

3billion
Classification: Pathogenic for Osteogenesis imperfecta with normal sclerae, dominant form. Last evaluated: 2022-01-03. Review status: criteria provided, single submitter. Criteria: ACMG Guidelines, 2015. Collection method: clinical testing. Allele origin: germline. Affected: yes. Observed: 1 heterozygote.
Comment: The variant has been observed in at least two similarly affected unrelated individuals (PMID: 27509835, PS4_M). A different missense change at the same codon has been reported as pathogenic/likely pathogenic with strong evidence (PMID: source: PMID_17078022, PM5_M). In silico tool predictions suggest damaging effect of the variant on gene or gene product (REVEL: 0.976, 3CNET: 0.989, PP3_P). A missense variant is a common mechanism associated with Osteogenesis imperfecta (PP2_P). It is not observed in the gnomAD v2.1.1 dataset (PM2_M). Therefore, this variant is classified as pathogenic according to the recommendation of ACMG/AMP guideline.

Literature cited by the submitters: PubMed 27509835 (cited by Labcorp Genetics (formerly Invitae), Labcorp and 3billion); PubMed 7695699 (cited by Labcorp Genetics (formerly Invitae), Labcorp); PubMed 8218237 (cited by Labcorp Genetics (formerly Invitae), Labcorp); PubMed 19344236 (cited by Labcorp Genetics (formerly Invitae), Labcorp); PubMed 9016532 (cited by Labcorp Genetics (formerly Invitae), Labcorp); PubMed 17078022 (cited by Labcorp Genetics (formerly Invitae), Labcorp and 3billion).